The following is an entry in ClinVar:

NM_054012.4(ASS1):c.1075T>C (p.Tyr359His)

Gene: ASS1 (argininosuccinate synthase 1; plus strand). Cytogenetic location: 9q34.11.
Variant type: single nucleotide variant.
Coding change: c.1075T>C on transcript NM_054012.4 (MANE Select); coding-DNA position 1075, T replaced by C.
Protein change: p.Tyr359His; replaces tyrosine 359 with histidine.
Molecular consequence: missense variant.
Genome position (GRCh38, 1-based): chr9:130,494,971, T>C. VCF-style: chr9-130494971-T-C. GRCh37 (hg19) VCF-style: chr9-133370358-T-C.
Other names: c.1075T>C, p.Tyr359His (NM_000050.4); short protein forms Y359H.
Identifiers: ClinVar variation 1508960 (VCV001508960.7), dbSNP rs1262020902, ClinGen allele CA375232194.

ClinVar aggregate classification (germline): Likely pathogenic. Review status: criteria provided, multiple submitters, no conflicts (2 of 4 stars). 2 submissions from 2 submitters: Likely pathogenic (2). Last evaluated 2024-07-23.

Conditions:
Citrullinemia. Identifiers: Orphanet 187, MedGen C0175683, MONDO:0015991.
Citrullinemia type I (CTNL1). Also called: argininosuccinate synthetase deficiency; ASS DEFICIENCY. Identifiers: Orphanet 247525, MedGen C4721769, MONDO:0008988, OMIM 215700.

Allele frequency attached by ClinVar (database versions not stated): TOPMed below 0.00001; gnomAD 0.00001; gnomAD exomes below 0.00001.

Submissions (2):

Labcorp Genetics (formerly Invitae), Labcorp
Classification: Likely pathogenic for Citrullinemia. Last evaluated: 2024-07-23. Review status: criteria provided, single submitter. Criteria: Invitae Variant Classification Sherloc (09022015). Collection method: clinical testing. Allele origin: germline.
Comment: This sequence change replaces tyrosine, which is neutral and polar, with histidine, which is basic and polar, at codon 359 of the ASS1 protein (p.Tyr359His). This variant is not present in population databases (gnomAD no frequency). This missense change has been observed in individual(s) with clinical features of citrullinemia type I (Invitae). In at least one individual the data is consistent with being in trans (on the opposite chromosome) from a pathogenic variant. ClinVar contains an entry for this variant (Variation ID: 1508960). Advanced modeling of protein sequence and biophysical properties (such as structural, functional, and spatial information, amino acid conservation, physicochemical variation, residue mobility, and thermodynamic stability) performed at Invitae indicates that this missense variant is not expected to disrupt ASS1 protein function with a negative predictive value of 80%. This variant disrupts the p.Tyr359 amino acid residue in ASS1. Other variant(s) that disrupt this residue have been determined to be pathogenic (PMID: 19006241; Invitae). This suggests that this residue is clinically significant, and that variants that disrupt this residue are likely to be disease-causing. In summary, the currently available evidence indicates that the variant is pathogenic, but additional data are needed to prove that conclusively. Therefore, this variant has been classified as Likely Pathogenic.

Department of Pathology and Laboratory Medicine, Sinai Health System
Classification: Likely pathogenic for citrullinemia type I. Last evaluated: 2023-10-19. Review status: criteria provided, single submitter. Criteria: ACMG Guidelines, 2015. Collection method: research. Allele origin: germline.

Literature cited by the submitters: PubMed 19006241 (cited by Labcorp Genetics (formerly Invitae), Labcorp).